The following is an entry in ClinVar:

NM_012469.4(PRPF6):c.2711C>T (p.Ala904Val)

Gene: PRPF6 (pre-mRNA processing factor 6; plus strand). Cytogenetic location: 20q13.33.
Variant type: single nucleotide variant.
Coding change: c.2711C>T on transcript NM_012469.4 (MANE Select); coding-DNA position 2711, C replaced by T.
Protein change: p.Ala904Val; replaces alanine 904 with valine.
Molecular consequence: missense variant.
Genome position (GRCh38, 1-based): chr20:64,032,878, C>T. VCF-style: chr20-64032878-C-T. GRCh37 (hg19) VCF-style: chr20-62664231-C-T.
Other names: short protein forms A904V.
Identifiers: ClinVar variation 1465440 (VCV001465440.6), dbSNP rs2145404765, ClinGen allele CA409748049.

ClinVar aggregate classification (germline): Uncertain significance (1 of 4 stars; one submission).

Submission:

Labcorp Genetics (formerly Invitae), Labcorp
Classification: Uncertain significance. Last evaluated: 2022-03-09. Review status: criteria provided, single submitter. Criteria: Invitae Variant Classification Sherloc (09022015). Collection method: clinical testing. Allele origin: germline.
Comment: In summary, the available evidence is currently insufficient to determine the role of this variant in disease. Therefore, it has been classified as a Variant of Uncertain Significance. Algorithms developed to predict the effect of missense changes on protein structure and function are either unavailable or do not agree on the potential impact of this missense change (SIFT: "Deleterious"; PolyPhen-2: "Benign"; Align-GVGD: "Class C0"). This variant has not been reported in the literature in individuals affected with PRPF6-related conditions. This variant is not present in population databases (gnomAD no frequency). This sequence change replaces alanine, which is neutral and non-polar, with valine, which is neutral and non-polar, at codon 904 of the PRPF6 protein (p.Ala904Val).